The following is an entry in ClinVar:

ClinVar aggregate classification (germline): Uncertain significance (1 of 4 stars; one submission).

Submission:

Labcorp Genetics (formerly Invitae), Labcorp
Classification: Uncertain significance. Last evaluated: 2025-07-21. Review status: criteria provided, single submitter. Criteria: Invitae Variant Classification Sherloc (09022015). Collection method: clinical testing. Allele origin: germline.
Comment: This sequence change replaces proline, which is neutral and non-polar, with serine, which is neutral and polar, at codon 116 of the SMARCB1 protein (p.Pro116Ser). This variant is not present in population databases (gnomAD no frequency). This variant has not been reported in the literature in individuals affected with SMARCB1-related conditions. ClinVar contains an entry for this variant (Variation ID: 3611620). Invitae Evidence Modeling of protein sequence and biophysical properties (such as structural, functional, and spatial information, amino acid conservation, physicochemical variation, residue mobility, and thermodynamic stability) indicates that this missense variant is not expected to disrupt SMARCB1 protein function with a negative predictive value of 80%. In summary, the available evidence is currently insufficient to determine the role of this variant in disease. Therefore, it has been classified as a Variant of Uncertain Significance.

NM_003073.5(SMARCB1):c.346C>T (p.Pro116Ser)

Gene: SMARCB1 (SWI/SNF related BAF chromatin remodeling complex subunit B1; plus strand). Cytogenetic location: 22q11.23.
Variant type: single nucleotide variant.
Coding change: c.346C>T on transcript NM_003073.5 (MANE Select); coding-DNA position 346, C replaced by T.
Protein change: p.Pro116Ser; replaces proline 116 with serine.
Molecular consequence: missense variant.
Genome position (GRCh38, 1-based): chr22:23,793,672, C>T. VCF-style: chr22-23793672-C-T. GRCh37 (hg19) VCF-style: chr22-24135859-C-T.
Other names: c.319C>T, p.Pro107Ser (NM_001007468.3, NM_001317946.2); c.346C>T, p.Pro116Ser (NM_001362877.2); short protein forms P107S, P116S.
Identifiers: ClinVar variation 3611620 (VCV003611620.2).